The following is an entry in ClinVar:

ClinVar aggregate classification (germline): Likely benign. Review status: criteria provided, single submitter (1 of 4 stars). 2 submissions from 2 submitters: Likely benign (1). 1 of the submissions does not count toward it. Last evaluated 2024-09-23.

Conditions:
ADGRE2-related disorder. Also called: ADGRE2-related condition.

Allele frequency attached by ClinVar (database versions not stated): ExAC 0.00012; gnomAD 0.00028; TOPMed 0.00035.

Submissions (2):

Blueprint Genetics
Classification: Likely benign. Last evaluated: 2024-09-23. Review status: criteria provided, single submitter. Criteria: ACMG Guidelines, 2015. Collection method: clinical testing. Allele origin: germline.

PreventionGenetics, part of Exact Sciences
Classification: Likely benign for ADGRE2-related condition. Last evaluated: 2019-03-07. Review status: no assertion criteria provided. Collection method: clinical testing. Allele origin: germline. Not counted in ClinVar's aggregate classification.
Comment: This variant is classified as likely benign based on ACMG/AMP sequence variant interpretation guidelines (Richards et al. 2015 PMID: 25741868, with internal and published modifications).

NM_013447.4(ADGRE2):c.519A>G (p.Pro173=)

Gene: ADGRE2 (adhesion G protein-coupled receptor E2; minus strand). Cytogenetic location: 19p13.12.
Variant type: single nucleotide variant.
Coding change: c.519A>G on transcript NM_013447.4 (MANE Select); coding-DNA position 519, A replaced by G.
Protein change: p.Pro173=; no amino-acid change (proline 173 retained).
Molecular consequence: synonymous variant. On other transcripts: intron variant (2).
Genome position (GRCh38, 1-based): chr19:14,766,350, T>C on the plus strand (A>G on the coding strand, the complement: ADGRE2 is on the minus strand). VCF-style: chr19-14766350-T-C. GRCh37 (hg19) VCF-style: chr19-14877162-T-C.
Other names: c.519A>G, p.Pro173= (NM_001271052.1); c.356-546A>G (NM_152917.2); c.488-546A>G (NM_152916.2).
Identifiers: ClinVar variation 3050177 (VCV003050177.3), dbSNP rs3896262, ClinGen allele CA9258102.
Genomic context (GRCh38, chr19:14,766,350, plus strand): 5'-CGGGCGGCAGCGGCACTGATAGCTGCCCACGTTGTTGAGGCAGTGGGTGGAGCTGTGGCA[T>C]GGGTTTTGTCCGGAGGTGCATTCATTCACATCTGAGGACAAAGCCAGAGGGTCAAACCCT-3'
Protein context (NP_038475.2, residues 163-183): DVNECTSGQN[Pro173=]CHSSTHCLNN